The following is an entry in ClinVar:

ClinVar aggregate classification (germline): Uncertain significance (1 of 4 stars; one submission).

gnomAD v4.1: 2 of 1,611,394 alleles (0.00012%); highest among the groups gnomAD compares: Non-Finnish European, 0.00017%; no homozygotes.

Submission:

Ambry Genetics
Classification: Uncertain significance. Last evaluated: 2023-06-27. Review status: criteria provided, single submitter. Criteria: Ambry Variant Classification Scheme 2023. Collection method: clinical testing. Allele origin: germline.
Comment: The p.S739C variant (also known as c.2215A>T), located in coding exon 12 of the PALLD gene, results from an A to T substitution at nucleotide position 2215. The serine at codon 739 is replaced by cysteine, an amino acid with dissimilar properties. This amino acid position is conserved. In addition, the in silico prediction for this alteration is inconclusive. Since supporting evidence is limited at this time, the clinical significance of this alteration remains unclear.

NM_001166108.2(PALLD):c.2266A>T (p.Ser756Cys)

Genes: CBR4 (carbonyl reductase 4; minus strand), PALLD (palladin, cytoskeletal associated protein; plus strand). Cytogenetic location: 4q32.3.
Variant type: single nucleotide variant.
Coding change: c.2266A>T on transcript NM_001166108.2 (MANE Select); coding-DNA position 2266, A replaced by T.
Protein change: p.Ser756Cys; replaces serine 756 with cysteine.
Molecular consequence: missense variant.
Genome position (GRCh38, 1-based): chr4:168,898,508, A>T. VCF-style: chr4-168898508-A-T. GRCh37 (hg19) VCF-style: chr4-169819659-A-T.
Other names: c.1069A>T, p.Ser357Cys (NM_001166109.2); c.754A>T, p.Ser252Cys (NM_001166110.2); c.94A>T, p.Ser32Cys (NM_001367567.1, NM_001367569.1); c.145A>T, p.Ser49Cys (NM_001367568.1, NM_001367570.1); c.2215A>T, p.Ser739Cys (NM_016081.4); short protein forms S32C, S49C, S252C, S739C, S756C, S357C.
Identifiers: ClinVar variation 2625546 (VCV002625546.2), dbSNP rs1488088422, ClinGen allele CA358798570.
Genomic context (GRCh38, chr4:168,898,508, plus strand): 5'-GTCAGAAGGGATTGAGTCTGCTAACTTAAACTTTCCTTGATTCAGGAATACAAAGTCTCC[A>T]GCTGTGAACAGAGACTCATCAGTGAAATAGAGTACAGGCTAGAAAGGTCTCCTGTGGATG-3'
Protein context (NP_001159580.1, residues 746-766): LDGQKEYKVS[Ser756Cys]CEQRLISEIE